The following is an entry in ClinVar:

ClinVar aggregate classification (oncogenicity): Conflicting classifications of oncogenicity. Review status: criteria provided, conflicting classifications (1 of 4 stars). 2 submissions from 2 submitters: Likely oncogenic(1); Uncertain significance(1). Last evaluated 2025-12-29.

Conditions:
Meningioma. Also called: Meningioma, somatic. Identifiers: Orphanet 2495, MedGen C0025286, MONDO:0016642, HP:0002858.
Neoplasm. Also called: Neoplasms; Neoplasm (disease); tumor. Identifiers: MedGen C0027651, MeSH D009369, MONDO:0005070, HP:0002664.

Submissions (2):

Center for Genomic Medicine, Rigshospitalet, Copenhagen University Hospital
Classification: Uncertain significance for Neoplasm. Last evaluated: 2025-12-29. Review status: criteria provided, single submitter. Criteria: ClinGen/CGC/VICC Guidelines for Oncogenicity, 2022. Collection method: clinical testing. Allele origin: somatic. Affected: yes.

Dr. Guy Rouleau's laboratory, McGill University
Classification: Likely oncogenic for Meningioma. Last evaluated: 2025-03-30. Review status: criteria provided, single submitter. Criteria: ClinGen/CGC/VICC Guidelines for Oncogenicity, 2022. Collection method: research. Allele origin: somatic. Affected: yes.
Comment: This missense variant, located at position 641 in the TRAF7 gene, results in the substitution of Arginine (R), a basic amino acid, with Histidine (H), another basic amino acid featuring an imidazole side chain. This somatic variant was identified in a paired tumor-blood sequencing study of meningiomas. It has been reported in meningiomas (PMIDs: 30546952, 31963394, 33407897, 35299730, 35984495). However, it has not been documented in population databases (gnomAD v2.1.1: no frequency).

Literature cited by the submitters: PubMed 23348505 (cited by Center for Genomic Medicine, Rigshospitalet, Copenhagen University Hospital); PubMed 31963394 (cited by Center for Genomic Medicine, Rigshospitalet, Copenhagen University Hospital); PubMed 31177425 (cited by Center for Genomic Medicine, Rigshospitalet, Copenhagen University Hospital); PubMed 30294322 (cited by Center for Genomic Medicine, Rigshospitalet, Copenhagen University Hospital); PubMed 30171198 (cited by Center for Genomic Medicine, Rigshospitalet, Copenhagen University Hospital).

NM_032271.3(TRAF7):c.1922G>A (p.Arg641His)

Gene: TRAF7 (TNF receptor associated factor 7; plus strand). Cytogenetic location: 16p13.3.
Variant type: single nucleotide variant.
Coding change: c.1922G>A on transcript NM_032271.3 (MANE Select); coding-DNA position 1922, G replaced by A.
Protein change: p.Arg641His; replaces arginine 641 with histidine.
Molecular consequence: missense variant.
Genome position (GRCh38, 1-based): chr16:2,176,308, G>A. VCF-style: chr16-2176308-G-A. GRCh37 (hg19) VCF-style: chr16-2226309-G-A.
Other names: short protein forms R641H.
Identifiers: ClinVar variation 3897758 (VCV003897758.2).